The following is an entry in ClinVar:

ClinVar aggregate classification (germline): Conflicting classifications of pathogenicity. Review status: criteria provided, conflicting classifications (1 of 4 stars). 4 submissions from 4 submitters: Uncertain significance (1); Benign (1); Likely benign (2). Last evaluated 2026-01-23.

Conditions:
Chitotriosidase deficiency (CHITD). Identifiers: MedGen C3279902, OMIM 614122, MONDO:0013586.

Allele frequency attached by ClinVar (database versions not stated): gnomAD exomes 0.00034 and 0.00092; ExAC 0.00112; 1000 Genomes Project 0.00220; 1000 Genomes Project 30x 0.00234; gnomAD 0.00367 and 0.00397; TOPMed 0.00435; ESP Exome Variant Server 0.00461.
gnomAD v4.1: 1,072 of 1,612,806 alleles (0.066%); highest among the groups gnomAD compares: African/African-American, 1.3%; 8 homozygotes.

Submissions (4):

Labcorp Genetics (formerly Invitae), Labcorp
Classification: Benign for Chitotriosidase deficiency. Last evaluated: 2026-01-23. Review status: criteria provided, single submitter. Criteria: Invitae Variant Classification Sherloc (09022015). Collection method: clinical testing. Allele origin: germline.

Mayo Clinic Laboratories, Mayo Clinic
Classification: Likely benign. Last evaluated: 2025-04-01. Review status: criteria provided, single submitter. Criteria: ACMG Guidelines, 2015. Collection method: clinical testing. Allele origin: germline. Observed: 2 variant alleles.
Comment: BP4, BP7

Blueprint Genetics
Classification: Likely benign. Last evaluated: 2024-08-23. Review status: criteria provided, single submitter. Criteria: ACMG Guidelines, 2015. Collection method: clinical testing. Allele origin: germline.

Illumina Laboratory Services, Illumina
Classification: Uncertain significance for Chitotriosidase deficiency. Last evaluated: 2018-01-13. Review status: criteria provided, single submitter. Criteria: ICSL Variant Classification Criteria 13 December 2019. Collection method: clinical testing. Allele origin: germline.

NM_003465.3(CHIT1):c.780G>A (p.Leu260=)

Gene: CHIT1 (chitinase 1; minus strand). Cytogenetic location: 1q32.1.
Variant type: single nucleotide variant.
Coding change: c.780G>A on transcript NM_003465.3 (MANE Select); coding-DNA position 780, G replaced by A.
Protein change: p.Leu260=; no amino-acid change (leucine 260 retained).
Molecular consequence: synonymous variant. On other transcripts: non-coding transcript variant (2).
Genome position (GRCh38, 1-based): chr1:203,219,799, C>T on the plus strand (G>A on the coding strand, the complement: CHIT1 is on the minus strand). VCF-style: chr1-203219799-C-T. GRCh37 (hg19) VCF-style: chr1-203188927-C-T.
Other names: p.Leu260=; c.723G>A, p.Leu241= (NM_001256125.2).
Identifiers: ClinVar variation 294923 (VCV000294923.17), dbSNP rs145366738, ClinGen allele CA1339810.